The following is an entry in ClinVar:

GRCh38/hg38 16p11.2(chr16:29641168-30186835)x1

Genes: INO80E (INO80 complex subunit E; plus strand), ALDOA (aldolase, fructose-bisphosphate A; plus strand), ASPHD1 (aspartate beta-hydroxylase domain containing 1; plus strand), C16orf54 (chromosome 16 open reading frame 54; minus strand), CDIPT (CDP-diacylglycerol--inositol 3-phosphatidyltransferase; minus strand) and 98 more. Cytogenetic location: 16p11.2.
Variant type: copy number loss.
Change: copy number 1 (one copy instead of two) of chr16:29,641,168-30,186,835 (545.7 kb, GRCh38 coordinates, 1-based), cytogenetic band 16p11.2.
Identifiers: ClinVar variation 5038313 (VCV005038313.1).

ClinVar aggregate classification (germline): Pathogenic (1 of 4 stars; one submission).

Submission:

Clinical Genomics Laboratory, Laboratory for Precision Diagnostics, University of Washington
Classification: Pathogenic. Last evaluated: 2026-02-08. Review status: criteria provided, single submitter. Criteria: ACMG/ClinGen CNV Guidelines, 2019. Collection method: clinical testing. Allele origin: de novo. Affected: yes. Observed: 1 variant allele.
Comment: This interstitial deletion is approximately 546 kb and contains 27 protein-coding genes including PRRT2 (OMIM 614386). This recurrent microdeletion causes 16p11.2 deletion syndrome, which is characterized by delayed motor and language development, variable learning and cognitive abilities, psychiatric and behavioral disorders and/or autism spectrum disorder, and a large head circumference. Readily treatable seizures occur in about 25% of people with this deletion, probably due to deletion of PRRT2. Obesity starting in adolescence is also seen with increased frequency amongst people with the 16p11.2 microdeletion. The incidence of congenital anomalies appears to be slightly higher than in the general population, with vertebral differences being the most frequent. Variable expressivity and incomplete penetrance has been observed.

Literature cited by the submitters: PubMed 38050025; PubMed 25064419; PubMed 30836598; PubMed 27410714.